The following is an entry in ClinVar:

ClinVar aggregate classification (germline): Uncertain significance (1 of 4 stars; one submission).

Submission:

Labcorp Genetics (formerly Invitae), Labcorp
Classification: Uncertain significance. Last evaluated: 2024-01-29. Review status: criteria provided, single submitter. Criteria: Invitae Variant Classification Sherloc (09022015). Collection method: clinical testing. Allele origin: germline.
Comment: This sequence change replaces valine, which is neutral and non-polar, with isoleucine, which is neutral and non-polar, at codon 240 of the NPAT protein (p.Val240Ile). This variant is not present in population databases (gnomAD no frequency). This variant has not been reported in the literature in individuals affected with NPAT-related conditions. An algorithm developed to predict the effect of missense changes on protein structure and function (PolyPhen-2) suggests that this variant is likely to be disruptive. In summary, the available evidence is currently insufficient to determine the role of this variant in disease. Therefore, it has been classified as a Variant of Uncertain Significance.

NM_002519.3(NPAT):c.718G>A (p.Val240Ile)

Gene: NPAT (nuclear protein, coactivator of histone transcription; minus strand). Cytogenetic location: 11q22.3.
Variant type: single nucleotide variant.
Coding change: c.718G>A on transcript NM_002519.3 (MANE Select); coding-DNA position 718, G replaced by A.
Protein change: p.Val240Ile; replaces valine 240 with isoleucine.
Molecular consequence: missense variant.
Genome position (GRCh38, 1-based): chr11:108,186,490, C>T on the plus strand (G>A on the coding strand, the complement: NPAT is on the minus strand). VCF-style: chr11-108186490-C-T. GRCh37 (hg19) VCF-style: chr11-108057217-C-T.
Other names: c.718G>A, p.Val240Ile (NM_001321307.1); short protein forms V240I.
Identifiers: ClinVar variation 2714021 (VCV002714021.3), dbSNP rs2496740194, ClinGen allele CA382522142.